The following is an entry in ClinVar:

ClinVar aggregate classification (germline): Pathogenic. Review status: criteria provided, multiple submitters, no conflicts (2 of 4 stars). 15 submissions from 15 submitters: Pathogenic (15). Last evaluated 2025-12-20.

Conditions:
Cardiovascular phenotype. Identifiers: MedGen CN230736.
Familial isolated arrhythmogenic right ventricular dysplasia. Identifiers: Orphanet 217656, MedGen C4274968, MONDO:0016342.
Arrhythmogenic right ventricular cardiomyopathy (ARVD). Also called: Arrhythmogenic Right Ventricular Cardiomyopathy (ARVC); Arrhythmogenic right ventricular dysplasia; Arrhythmogenic cardiomyopathy; Cardiomyopathy, ARVC. Identifiers: Orphanet 247, MedGen C0349788, MeSH D019571, MONDO:0016587. Disease mechanism: loss of function. Inheritance: Various modes of inheritance.
Cardiomyopathy (CMYO). Also called: Cardiomyopathies. Identifiers: Orphanet 167848, MedGen C0878544, MONDO:0004994, HP:0001638. Inheritance: Various modes of inheritance.
Arrhythmogenic right ventricular dysplasia 9 (ARVD9). Also called: ARRHYTHMOGENIC RIGHT VENTRICULAR DYSPLASIA, FAMILIAL, 9; Arrhythmogenic Right Ventricular Dysplasia/Cardiomyopathy 9. Identifiers: MedGen C1836906, MONDO:0012180, OMIM 609040.

Allele frequency attached by ClinVar (database versions not stated): gnomAD exomes 0.00002; TOPMed below 0.00001; ExAC 0.00002.
gnomAD v4.1: 4 of 1,613,054 alleles (0.00025%); no homozygotes.

Submissions 1 to 10 of 15:

Labcorp Genetics (formerly Invitae), Labcorp
Classification: Pathogenic for Arrhythmogenic right ventricular dysplasia 9. Last evaluated: 2025-12-20. Review status: criteria provided, single submitter. Criteria: Invitae Variant Classification Sherloc (09022015). Collection method: clinical testing. Allele origin: germline.
Comment: This sequence change creates a premature translational stop signal (p.Trp538*) in the PKP2 gene. It is expected to result in an absent or disrupted protein product. Loss-of-function variants in PKP2 are known to be pathogenic (PMID: 15489853, 17041889, 23911551). This variant is present in population databases (rs193922672, gnomAD 0.02%). This premature translational stop signal has been observed in individuals with arrhythmogenic right ventricular dysplasia/cardiomyopathy (PMID: 16549640, 19863551, 20031617, 20152563, 26743238). ClinVar contains an entry for this variant (Variation ID: 36680). For these reasons, this variant has been classified as Pathogenic.

All of Us Research Program, National Institutes of Health
Classification: Pathogenic for Arrhythmogenic right ventricular cardiomyopathy. Last evaluated: 2024-03-14. Review status: criteria provided, single submitter. Criteria: ACMG Guidelines, 2015. Collection method: clinical testing. Allele origin: germline. Inheritance: Autosomal dominant inheritance. Observed: 6 variant alleles, 6 heterozygotes.
Comment: This variant changes 1 nucleotide in exon 7 of the PKP2 gene, creating a premature translation stop signal. This variant is expected to result in an absent or non-functional protein product. To our knowledge, functional assays have not been performed for this variant. This variant has been reported in over ten individuals affected with arrhythmogenic right ventricular cardiomyopathy (PMID: 16549640, 19863551, 20031617, 20152563, 26743238). This variant has been identified in 3/246156 chromosomes in the general population by the Genome Aggregation Database (gnomAD). Loss of PKP2 function is a known mechanism of disease. Based on available evidence, this variant is classified as Pathogenic.

This study involves interpretation of variants in research participants for the purpose of population health screening. Participant phenotype was not available at the time of variant classification. Additional details can be found in publication PMID: 35346344, PMCID: PMC8962531

Ambry Genetics
Classification: Pathogenic for Cardiovascular phenotype. Last evaluated: 2024-01-09. Review status: criteria provided, single submitter. Criteria: Ambry Variant Classification Scheme 2023. Collection method: clinical testing. Allele origin: germline.
Comment: The p.W538* pathogenic mutation (also known as c.1613G>A), located in coding exon 7 of the PKP2 gene, results from a G to A substitution at nucleotide position 1613. This changes the amino acid from a tryptophan to a stop codon within coding exon 7. This alteration has been previously described in several individuals with arrhythmogenic right ventricular cardiomyopathy (ARVC) (Dalal D et al. J Am Coll Cardiol. 2006;48:1416-24; den Haan AD et al. Circ Cardiovasc Genet, 2009 Oct;2:428-35; Baskin B et al. Hum. Genet., 2013 Nov;132:1245-52; Rabey I et al. Circulation, 2018 Aug;138:642-645). In addition to the clinical data presented in the literature, this alteration is expected to result in loss of function by premature protein truncation or nonsense-mediated mRNA decay. As such, this alteration is interpreted as a disease-causing mutation.

Color Diagnostics, LLC DBA Color Health
Classification: Pathogenic for Cardiomyopathy. Last evaluated: 2023-12-18. Review status: criteria provided, single submitter. Criteria: ACMG Guidelines, 2015. Collection method: clinical testing. Allele origin: germline.
Comment: This variant changes 1 nucleotide in exon 7 of the PKP2 gene, creating a premature translation stop signal. This variant is expected to result in an absent or non-functional protein product. This variant has been reported in over ten individuals affected with arrhythmogenic right ventricular cardiomyopathy (PMID: 16549640, 19863551, 20031617, 20152563, 26743238). This variant has been identified in 3/246156 chromosomes in the general population by the Genome Aggregation Database (gnomAD). Loss of PKP2 function is a known mechanism of disease. Based on available evidence, this variant is classified as Pathogenic.

GeneDx
Classification: Pathogenic. Last evaluated: 2023-01-24. Review status: criteria provided, single submitter. Criteria: GeneDx Variant Classification Process June 2021. Collection method: clinical testing. Allele origin: germline. Affected: yes.
Comment: Not observed at significant frequency in large population cohorts (gnomAD); Nonsense variant predicted to result in protein truncation or nonsense mediated decay in a gene for which loss-of-function is a known mechanism of disease; This variant is associated with the following publications: (PMID: 17010805, 23812740, 16549640, 34120153, 19358943, 23810883, 25525159, 20152563, 20031617, 24585727, 19863551, 21606390, 28807990, 29128982, 26743238, 30765282, 32268277, 32372669, 31386562, 31402444, 30354609, 20857253, 34469894, 31447099)

Petrovsky National Research Centre of Surgery, The Federal Agency for Scientific Organizations
Classification: Pathogenic for Arrhythmogenic right ventricular dysplasia 9. Last evaluated: 2022-02-25. Review status: criteria provided, single submitter. Criteria: ACMG Guidelines, 2015. Collection method: clinical testing. Allele origin: germline. Inheritance: Autosomal dominant inheritance. Affected: yes. Observed: 1 heterozygote.
Comment: The c.1613G>A (p.Trp538*) nonsense variant in the PKP2 gene is predicted to introduce a premature translation termination codon. It has been reported in multiple unrelated patients with arrhythmogenic right ventricular cardiomyopathy (ARVC) [PMID 16549640, 19863551, 20031617, 20152563, 20857253, 21606390, 26743238, 32268277]. ClinVar contains an entry for this variant (Variation ID: 36680). Loss-of-function variants in PKP2 are known to be pathogenic (PMID: 15489853, 23911551). For these reasons, this variant has been classified as Pathogenic.

AiLife Diagnostics
Classification: Pathogenic. Last evaluated: 2021-12-08. Review status: criteria provided, single submitter. Criteria: ACMG Guidelines, 2015. Collection method: clinical testing. Allele origin: germline. Affected: yes. Observed: 2 variant alleles.

Fulgent Genetics
Classification: Pathogenic for Arrhythmogenic right ventricular dysplasia 9. Last evaluated: 2021-10-12. Review status: criteria provided, single submitter. Criteria: ACMG Guidelines, 2015. Collection method: clinical testing. Allele origin: unknown.

New York Genome Center
Classification: Pathogenic for Arrhythmogenic right ventricular dysplasia 9. Last evaluated: 2021-08-20. Review status: criteria provided, single submitter. Criteria: NYGC Assertion Criteria 2020. Collection method: clinical testing. Allele origin: germline, inherited. Affected: yes. Observed: 2 heterozygotes. Clinical features observed: Atrial fibrillation (HP:0005110), Ventricular tachycardia (HP:0004756), Seizure (HP:0001250), Intellectual disability (HP:0001249), Autism (HP:0000717). Study: CSER-NYCKidSeq.
Comment: The c.1613G>A (p.Trp538Ter) variant identified in PKP2 gene is a nonsense variant that leads to the premature termination of the protein at amino acid 538/882 (exon 7/14; NM_004572.3). This variant is also called c.1481G>A, (p.Trp494Ter) annotated from transcript NM_001005242.3. This variant is absent from gnomAD(v3.1.1) suggesting it is not a common benign variant in the populations represented in that database. It is reported in ClinVar as Pathogenic (VarID:36680) and has been reported in many affected individuals in the literature [PMID:26743238, 24585727, 21606390, others]. Given its deleterious nature, absence in population databases, and presence in many affected individuals in the literature, the c.1613G>A (p.Trp538Ter) variant identified in PKP2 gene is reported as Pathogenic.

Women's Health and Genetics/Laboratory Corporation of America, LabCorp
Classification: Pathogenic for Familial isolated arrhythmogenic right ventricular dysplasia. Last evaluated: 2021-02-01. Review status: criteria provided, single submitter. Criteria: LabCorp Variant Classification Summary - May 2015. Collection method: clinical testing. Allele origin: germline.
Comment: Variant summary: PKP2 c.1613G>A (p.Trp538X) results in a premature termination codon, predicted to cause a truncation of the encoded protein or absence of the protein due to nonsense mediated decay, which are commonly known mechanisms for disease. Truncations downstream of this position have been classified as pathogenic by our laboratory. The variant allele was found at a frequency of 1.6e-05 in 251782 control chromosomes (gnomAD and publication data). c.1613G>A has been reported in the literature in multiple individuals affected with Arrhythmogenic Right Ventricular Dysplasia/Cardiomyopathy (Dalal_2006, Den Haan_2009, Barahona-Dussault_2010). These data indicate that the variant is very likely to be associated with disease. To our knowledge, no experimental evidence demonstrating an impact on protein function has been reported. Ten ClinVar submitters (evaluation after 2014) cite the variant as pathogenic. Based on the evidence outlined above, the variant was classified as pathogenic.

NM_001005242.3(PKP2):c.1481G>A (p.Trp494Ter)

Gene: PKP2 (plakophilin 2; minus strand). Cytogenetic location: 12p11.21.
Variant type: single nucleotide variant.
Coding change: c.1481G>A on transcript NM_001005242.3 (MANE Select); coding-DNA position 1481, G replaced by A.
Protein change: p.Trp494Ter; replaces tryptophan 494 with a stop codon.
Molecular consequence: nonsense.
Genome position (GRCh38, 1-based): chr12:32,841,103, C>T on the plus strand (G>A on the coding strand, the complement: PKP2 is on the minus strand). VCF-style: chr12-32841103-C-T. GRCh37 (hg19) VCF-style: chr12-32994037-C-T.
Other names: p.W538*:TGG>TAG; p.Trp538*; c.1613G>A, p.Trp538Ter (NM_004572.4); short protein forms W538*, W494*.
Identifiers: ClinVar variation 36680 (VCV000036680.39), dbSNP rs193922672, ClinGen allele CA011237.